The following is an entry in ClinVar:

NM_001165963.4(SCN1A):c.3656G>A (p.Trp1219Ter)

Genes: SCN1A (sodium voltage-gated channel alpha subunit 1; minus strand), LOC102724058 (uncharacterized LOC102724058; plus strand). Cytogenetic location: 2q24.3.
Variant type: single nucleotide variant.
Coding change: c.3656G>A on transcript NM_001165963.4 (MANE Select); coding-DNA position 3656, G replaced by A.
Protein change: p.Trp1219Ter; replaces tryptophan 1219 with a stop codon.
Molecular consequence: nonsense. On other transcripts: non-coding transcript variant (1).
Genome position (GRCh38, 1-based): chr2:166,013,793, C>T on the plus strand (G>A on the coding strand, the complement: SCN1A is on the minus strand). VCF-style: chr2-166013793-C-T. GRCh37 (hg19) VCF-style: chr2-166870303-C-T.
Other names: c.3572G>A, p.Trp1191Ter (NM_001165964.3, NM_001353957.2, NM_001353958.2); c.3656G>A, p.Trp1219Ter (NM_001202435.3, NM_001353948.2); c.3623G>A, p.Trp1208Ter (NM_001353949.2, NM_001353950.2, NM_001353951.2 and 2 more transcripts); c.3620G>A, p.Trp1207Ter (NM_001353954.2, NM_001353955.2); c.3569G>A, p.Trp1190Ter (NM_001353960.2); c.1214G>A, p.Trp405Ter (NM_001353961.2); short protein forms W1190*, W405*, W1208*, W1191*, W1207*, W1219*.
Identifiers: ClinVar variation 871604 (VCV000871604.44), dbSNP rs1692870117, ClinGen allele CA349055957.

ClinVar aggregate classification (germline): Pathogenic. Review status: criteria provided, multiple submitters, no conflicts (2 of 4 stars). 2 submissions from 2 submitters: Pathogenic (2). Last evaluated 2023-10-02.

Conditions:
Early-infantile DEE. Also called: Ohtahara syndrome; Early infantile epileptic encephalopathy with suppression bursts; Early infantile epileptic encephalopathy. Identifiers: Orphanet 1934, MedGen C0393706, MONDO:0800491.

Submissions (2):

Labcorp Genetics (formerly Invitae), Labcorp
Classification: Pathogenic for Early-infantile DEE. Last evaluated: 2023-10-02. Review status: criteria provided, single submitter. Criteria: Invitae Variant Classification Sherloc (09022015). Collection method: clinical testing. Allele origin: germline.
Comment: For these reasons, this variant has been classified as Pathogenic. ClinVar contains an entry for this variant (Variation ID: 871604). This premature translational stop signal has been observed in individual(s) with clinical features of Dravet syndrome (PMID: 18930999). This variant is not present in population databases (gnomAD no frequency). This sequence change creates a premature translational stop signal (p.Trp1219*) in the SCN1A gene. It is expected to result in an absent or disrupted protein product. Loss-of-function variants in SCN1A are known to be pathogenic (PMID: 17347258, 18930999).

CeGaT Center for Human Genetics Tuebingen
Classification: Pathogenic. Last evaluated: 2016-10-01. Review status: criteria provided, single submitter. Criteria: CeGaT Center For Human Genetics Tuebingen Variant Classification Criteria Version 2. Collection method: clinical testing. Allele origin: germline. Affected: yes. Observed: 1 variant allele.

Literature cited by the submitters: PubMed 18930999 (cited by Labcorp Genetics (formerly Invitae), Labcorp); PubMed 17347258 (cited by Labcorp Genetics (formerly Invitae), Labcorp).